The following is an entry in ClinVar:

NM_001369.3(DNAH5):c.9dup (p.Ile4fs)

Gene: DNAH5 (dynein axonemal heavy chain 5; minus strand). Cytogenetic location: 5p15.2.
Variant type: Duplication.
Coding change: c.9dup on transcript NM_001369.3 (MANE Select); coding-DNA position 9, one base duplicated (G; older notation c.9dupG).
Protein change: p.Ile4fs; shifts the reading frame from isoleucine 4.
Molecular consequence: frameshift variant.
Genome position (GRCh38, 1-based): chr5:13,944,430, C duplicated on the plus strand (G on the coding strand, the reverse complement: DNAH5 is on the minus strand); the first of 2 consecutive C bases (chr5:13,944,430-13,944,431); duplicating either gives the same sequence. VCF-style (leftmost placement, unchanged base first): chr5-13944429-T-TC. GRCh37 (hg19) VCF-style: chr5-13944538-T-TC.
Other names: short protein forms I4fs.
Identifiers: ClinVar variation 4814924 (VCV004814924.1).

ClinVar aggregate classification (germline): Likely pathogenic (1 of 4 stars; one submission).

Conditions:
Primary ciliary dyskinesia. Also called: Ciliary dyskinesia. Identifiers: Orphanet 244, MedGen C0008780, MONDO:0016575, HP:0012265.

Submission:

Natera, Inc.
Classification: Likely pathogenic for Primary ciliary dyskinesia. Last evaluated: 2024-04-18. Review status: criteria provided, single submitter. Criteria: Natera Variant Classification Schema (03/2026). Collection method: clinical testing. Allele origin: germline.
Comment: The c.9dupG variant in DNAH5 is a frameshift variant predicted to shift the reading frame beginning at codon 4 and leads to a stop codon 10 codons downstream. This variant is expected to result in nonsense mediated decay, truncation, or a dysfunctional protein product. This variant is rare in the general population with a frequency below the threshold expected for the associated phenotype(s). Given the available evidence, this variant is classified as Likely Pathogenic.